The following is an entry in ClinVar:

ClinVar aggregate classification (germline): Uncertain significance. Review status: criteria provided, multiple submitters, no conflicts (2 of 4 stars). 8 submissions from 8 submitters: Uncertain significance (6). 2 of the submissions do not count toward it. Last evaluated 2026-06-09.

Conditions:
Mitochondrial complex I deficiency, nuclear type 1. Also called: NADH-COENZYME Q REDUCTASE DEFICIENCY; MITOCHONDRIAL NADH DEHYDROGENASE COMPONENT OF COMPLEX I, DEFICIENCY OF. Identifiers: MedGen C6022305, MONDO:0100224, OMIM 252010.
Inborn genetic diseases. Identifiers: MedGen C0950123, MeSH D030342.

Allele frequency attached by ClinVar (database versions not stated): ExAC 0.00003; 1000 Genomes Project 0.00020; gnomAD 0.00004 and 0.00006; gnomAD exomes 0.00003 and 0.00004; 1000 Genomes Project 30x 0.00016; TOPMed 0.00002.

Submissions (8):

GeneDx
Classification: Uncertain significance. Last evaluated: 2026-06-09. Review status: criteria provided, single submitter. Criteria: GeneDx Variant Classification Process June 2021. Collection method: clinical testing. Allele origin: germline.
Comment: In silico analysis supports that this missense variant has a deleterious effect on protein structure/function; Has not been previously published as pathogenic or benign to our knowledge

Labcorp Genetics (formerly Invitae), Labcorp
Classification: Uncertain significance. Last evaluated: 2025-03-04. Review status: criteria provided, single submitter. Criteria: Invitae Variant Classification Sherloc (09022015). Collection method: clinical testing. Allele origin: germline.
Comment: This sequence change replaces methionine, which is neutral and non-polar, with valine, which is neutral and non-polar, at codon 197 of the TMEM126B protein (p.Met197Val). This variant is present in population databases (rs181963507, gnomAD 0.01%). This variant has not been reported in the literature in individuals affected with TMEM126B-related conditions. ClinVar contains an entry for this variant (Variation ID: 1033487). An algorithm developed to predict the effect of missense changes on protein structure and function (PolyPhen-2) suggests that this variant is likely to be disruptive. In summary, the available evidence is currently insufficient to determine the role of this variant in disease. Therefore, it has been classified as a Variant of Uncertain Significance.

Mayo Clinic Laboratories, Mayo Clinic
Classification: Uncertain significance. Last evaluated: 2024-09-27. Review status: criteria provided, single submitter. Criteria: ACMG Guidelines, 2015. Collection method: clinical testing. Allele origin: germline. Observed: 2 variant alleles.
Comment: PM2_supporting

Ambry Genetics
Classification: Uncertain significance for Inborn genetic diseases. Last evaluated: 2021-06-23. Review status: criteria provided, single submitter. Criteria: Ambry Variant Classification Scheme 2023. Collection method: clinical testing. Allele origin: germline.

Baylor Genetics
Classification: Uncertain significance for Mitochondrial complex I deficiency, nuclear type 1. Last evaluated: 2018-08-08. Review status: criteria provided, single submitter. Criteria: ACMG Guidelines, 2015. Collection method: clinical testing. Allele origin: unknown. Affected: yes.
Comment: This variant was determined to be of uncertain significance according to ACMG Guidelines, 2015 [PMID:25741868].

Breakthrough Genomics
Classification: Uncertain significance. Review status: criteria provided, single submitter. Criteria: ACMG Guidelines, 2015. Collection method: not provided. Allele origin: germline. Inheritance: Autosomal recessive inheritance. Affected: yes.

Clinical Genetics DNA and cytogenetics Diagnostics Lab, Erasmus MC, Erasmus Medical Center
Classification: Uncertain significance. Review status: no assertion criteria provided. Collection method: clinical testing. Allele origin: germline. Affected: yes. Study: VKGL Data-share Consensus. Not counted in ClinVar's aggregate classification.

Genome Diagnostics Laboratory, Amsterdam University Medical Center
Classification: Uncertain significance. Review status: no assertion criteria provided. Collection method: clinical testing. Allele origin: germline. Affected: yes. Study: VKGL Data-share Consensus. Not counted in ClinVar's aggregate classification.

NM_018480.7(TMEM126B):c.589A>G (p.Met197Val)

Gene: TMEM126B (transmembrane protein 126B; plus strand). Cytogenetic location: 11q14.1.
Variant type: single nucleotide variant.
Coding change: c.589A>G on transcript NM_018480.7 (MANE Select); coding-DNA position 589, A replaced by G.
Protein change: p.Met197Val; replaces methionine 197 with valine.
Molecular consequence: missense variant. On other transcripts: non-coding transcript variant (2).
Genome position (GRCh38, 1-based): chr11:85,636,125, A>G. VCF-style: chr11-85636125-A-G. GRCh37 (hg19) VCF-style: chr11-85347169-A-G.
Other names: p.Met197Val; c.529A>G, p.Met177Val (NM_001193537.3); c.499A>G, p.Met167Val (NM_001193538.3, NM_001256546.2); c.451A>G, p.Met151Val (NM_001256547.2); c.364A>G, p.Met122Val (NM_001350393.1); c.589A>G (NM_018480.5, NM_018480.3); short protein forms M151V, M197V, M177V, M122V, M167V.
Identifiers: ClinVar variation 1033487 (VCV001033487.11), dbSNP rs181963507, ClinGen allele CA6212615.
Genomic context (GRCh38, chr11:85,636,125, plus strand): 5'-CCACCAAAAGGAAGGGTTTTAATCCATTGGATGACGCTTTGTCAAACACAAATGAAATTA[A>G]TGGCGATTCCTCTAGTCTTTCAGATTATGTTTGGAATATTAAATGGTCTATACCATTATG-3'
Protein context (NP_060950.3, residues 187-207): MTLCQTQMKL[Met197Val]AIPLVFQIMF